The following is an entry in ClinVar:

ClinVar aggregate classification (germline): Likely pathogenic (1 of 4 stars; one submission).

Conditions:
Hyperphosphatasia with impaired intellectual development syndrome 4. Also called: GLYCOSYLPHOSPHATIDYLINOSITOL BIOSYNTHESIS DEFECT 10; Hyperphosphatasia with intellectual disability syndrome 4. Identifiers: Orphanet 247262, MedGen C3810354, MONDO:0014318, OMIM 615716.

Submission:

First Genomix Gene Laboratory, Genetic Diagnostics Department
Classification: Likely pathogenic for Hyperphosphatasia with impaired intellectual development syndrome 4. Last evaluated: 2025-05-26. Review status: criteria provided, single submitter. Criteria: ACMG Guidelines, 2015. Collection method: clinical testing. Allele origin: germline. Inheritance: Autosomal recessive inheritance. Affected: no. Observed: 1 variant allele.

NM_033419.5(PGAP3):c.202dup (p.Cys68fs)

Gene: PGAP3 (post-GPI attachment to proteins phospholipase 3; minus strand). Cytogenetic location: 17q12.
Variant type: Duplication.
Coding change: c.202dup on transcript NM_033419.5 (MANE Select); coding-DNA position 202, one base duplicated (T; older notation c.202dupT).
Protein change: p.Cys68fs; shifts the reading frame from cysteine 68.
Molecular consequence: frameshift variant.
Genome position (GRCh38, 1-based): chr17:39,685,999, A duplicated on the plus strand (T on the coding strand, the reverse complement: PGAP3 is on the minus strand). VCF-style (leftmost placement, unchanged base first): chr17-39685998-C-CA. GRCh37 (hg19) VCF-style: chr17-37842251-C-CA.
Other names: c.202dup, p.Cys68fs (NM_001291726.2, NM_001291728.2, NM_001291730.2 and 2 more transcripts); c.202dupT (NM_033419.5); short protein forms C68fs.
Identifiers: ClinVar variation 4849479 (VCV004849479.1).